The following is an entry in ClinVar:

NM_001093.4(ACACB):c.3060+10C>T

Gene: ACACB (acetyl-CoA carboxylase beta; plus strand). Cytogenetic location: 12q24.11.
Variant type: single nucleotide variant.
Coding change: c.3060+10C>T on transcript NM_001093.4 (MANE Select); 10 bases into the intron after coding-DNA position 3060, C replaced by T.
Molecular consequence: intron variant.
Genome position (GRCh38, 1-based): chr12:109,206,866, C>T. VCF-style: chr12-109206866-C-T. GRCh37 (hg19) VCF-style: chr12-109644671-C-T.
Other names: c.3060+10C>T (NM_001412734.1, NM_001412735.1); c.2433+10C>T (NM_001412737.1); c.2454+10C>T (NM_001412736.1, NM_001412738.1, NM_001412739.1 and 1 more transcripts).
Identifiers: ClinVar variation 3037793 (VCV003037793.2), dbSNP rs17848815, ClinGen allele CA6773869.

ClinVar aggregate classification (germline): Benign (0 of 4 stars; one submission).

Conditions:
ACACB-related disorder. Also called: ACACB-related condition.

Allele frequency attached by ClinVar (database versions not stated): ESP Exome Variant Server 0.00031; TOPMed 0.00537; gnomAD 0.00547; gnomAD exomes 0.00567; ExAC 0.01411; 1000 Genomes Project 30x 0.03014; 1000 Genomes Project 0.03235.
gnomAD v4.1: 9,323 of 1,614,158 alleles (0.58%); highest among the groups gnomAD compares: East Asian, 8.9%; 382 homozygotes.

Submission:

PreventionGenetics, part of Exact Sciences
Classification: Benign for ACACB-related condition. Last evaluated: 2019-09-10. Review status: no assertion criteria provided. Collection method: clinical testing. Allele origin: germline.
Comment: This variant is classified as benign based on ACMG/AMP sequence variant interpretation guidelines (Richards et al. 2015 PMID: 25741868, with internal and published modifications).